The following is an entry in ClinVar:

NM_007294.4(BRCA1):c.4484+5G>C

Gene: BRCA1 (BRCA1 DNA repair associated; minus strand). Cytogenetic location: 17q21.31.
Variant type: single nucleotide variant.
Coding change: c.4484+5G>C on transcript NM_007294.4 (MANE Select); 5 bases into the intron after coding-DNA position 4484, G replaced by C.
Molecular consequence: intron variant.
Genome position (GRCh38, 1-based): chr17:43,076,483, C>G on the plus strand (G>C on the coding strand, the complement: BRCA1 is on the minus strand). VCF-style: chr17-43076483-C-G. GRCh37 (hg19) VCF-style: chr17-41228500-C-G.
Other names: c.1031+5G>C (NM_001408458.1, NM_001408461.1, NM_001408464.1 and 7 more transcripts); c.3593+5G>C (NM_001407967.1); c.4103+5G>C (NM_001407959.1); c.4217+5G>C (NM_001407931.1, NM_001407932.1, NM_001407928.1 and 4 more transcripts); c.4340+5G>C (NM_001407747.1, NM_001407745.1, NM_001407737.1 and 21 more transcripts); c.4100+5G>C (NM_001407962.1, NM_001407960.1); c.671+5G>C (NM_001408512.1); c.794+5G>C (NM_001408510.1); and 71 more.
Identifiers: ClinVar variation 267548 (VCV000267548.14), dbSNP rs886040910, ClinGen allele CA10602588.

ClinVar aggregate classification (germline): Conflicting classifications of pathogenicity. Review status: criteria provided, conflicting classifications (1 of 4 stars). 4 submissions from 4 submitters: Pathogenic (2); Uncertain significance (1). 1 of the submissions does not count toward it. Last evaluated 2024-10-09.

Conditions:
Hereditary cancer-predisposing syndrome. Also called: Hereditary Cancer Syndrome; Neoplastic Syndromes, Hereditary; Hereditary neoplastic syndrome; Tumor predisposition. Identifiers: Orphanet 140162, MedGen C0027672, MeSH D009386, MONDO:0015356.
Hereditary breast ovarian cancer syndrome. Also called: Hereditary breast and ovarian cancer syndrome (HBOC); Breast and ovarian cancer; Hereditary breast and ovarian cancer syndrome; Hereditary breast and ovarian cancer; BRCA1- and BRCA2-Associated Hereditary Breast and Ovarian Cancer; Hereditary breast and/or ovarian cancer syndrome. Identifiers: Orphanet 145, MedGen C0677776, MeSH D061325, MONDO:0003582. Disease mechanism: loss of function.
Breast-ovarian cancer, familial, susceptibility to, 1 (BROVCA1). Also called: BRCA1 Hereditary Breast and Ovarian Cancer; OVARIAN CANCER, SUSCEPTIBILITY TO. Identifiers: Orphanet 145, MedGen C2676676, MONDO:0011450, OMIM 604370. Disease mechanism: loss of function.

Submissions (4):

Ambry Genetics
Classification: Uncertain significance for Hereditary cancer-predisposing syndrome. Last evaluated: 2024-10-09. Review status: criteria provided, single submitter. Criteria: Ambry Variant Classification Scheme 2023. Collection method: clinical testing. Allele origin: germline.
Comment: The c.4484+5G>C intronic variant results from a G to C substitution 5 nucleotides after coding exon 12 in the BRCA1 gene. This nucleotide position is well conserved in available vertebrate species. In silico splice site analysis predicts that this alteration may weaken the native splice donor site. RNA studies have demonstrated that this alteration results in a splice defect; the clinical impact of this abnormal splicing is unknown at this time (Montalban G et al. Hum Mutat, 2019 Dec;40:2296-2317; Ambry internal data). Based on the available evidence, the clinical significance of this variant remains unclear.

Labcorp Genetics (formerly Invitae), Labcorp
Classification: Pathogenic for Hereditary breast ovarian cancer syndrome. Last evaluated: 2021-11-10. Review status: criteria provided, single submitter. Criteria: Invitae Variant Classification Sherloc (09022015). Collection method: clinical testing. Allele origin: germline.
Comment: This sequence change falls in intron 13 of the BRCA1 gene. It does not directly change the encoded amino acid sequence of the BRCA1 protein. RNA analysis indicates that this variant induces altered splicing and may result in an absent or disrupted protein product. This variant is not present in population databases (gnomAD no frequency). This variant has been observed in individual(s) with ovarian cancer (PMID: 31343793). ClinVar contains an entry for this variant (Variation ID: 267548). Variants that disrupt the consensus splice site are a relatively common cause of aberrant splicing (PMID: 17576681, 9536098). Studies have shown that this variant results in skipping of exon 13 and introduces a premature termination codon (PMID: 31343793; Invitae). The resulting mRNA is expected to undergo nonsense-mediated decay. For these reasons, this variant has been classified as Pathogenic.

Consortium of Investigators of Modifiers of BRCA1/2 (CIMBA), c/o University of Cambridge
Classification: Pathogenic for Breast-ovarian cancer, familial, susceptibility to, 1. Last evaluated: 2015-10-02. Review status: criteria provided, single submitter. Criteria: CIMBA Mutation Classification guidelines May 2016. Collection method: clinical testing. Allele origin: germline.

Hereditary Cancer Genetics group, Vall d'Hebron Institute of Oncology
Classification: Likely pathogenic for Hereditary breast and ovarian cancer syndrome. Last evaluated: 2019-03-01. Review status: no assertion criteria provided. Collection method: research. Allele origin: germline. Affected: yes. Not counted in ClinVar's aggregate classification.

Literature cited by the submitters: PubMed 31343793 (cited by Ambry Genetics and Labcorp Genetics (formerly Invitae), Labcorp); PubMed 17576681 (cited by Labcorp Genetics (formerly Invitae), Labcorp); PubMed 9536098 (cited by Labcorp Genetics (formerly Invitae), Labcorp); PubMed 30472649 (cited by Hereditary Cancer Genetics group, Vall d'Hebron Institute of Oncology).